The following is an entry in ClinVar:

ClinVar aggregate classification (germline): Pathogenic (1 of 4 stars; one submission).

Conditions:
Combined immunodeficiency due to DOCK8 deficiency (HIES2). Also called: HYPER-IgE SYNDROME 2, AUTOSOMAL RECESSIVE, WITH RECURRENT INFECTIONS; HIES autosomal recessive; Hyper-IgE recurrent infection syndrome, autosomal recessive; HYPER-IgE RECURRENT INFECTION SYNDROME 2, AUTOSOMAL RECESSIVE; DOCK8 Deficiency. Identifiers: Orphanet 217390, MedGen C4722305, MONDO:0009478, OMIM 243700.

Submission:

Neuberg Centre For Genomic Medicine, NCGM
Classification: Pathogenic for Combined immunodeficiency due to DOCK8 deficiency. Review status: criteria provided, single submitter. Criteria: ACMG Guidelines, 2015. Collection method: clinical testing. Allele origin: germline. Inheritance: Autosomal recessive inheritance. Affected: yes.
Comment: The frame shift c.2452del (p.Gln818SerfsTer20) homozygous variant in DOCK8 has not been reported previously as a pathogenic variant nor as a benign variant, to our knowledge. The variant is novel (not in any individuals) in gnomAD Exomes and is novel (not in any individuals) in 1000 Genomes. This variant causes a frameshift starting with codon Glutamine 818, changes this amino acid to Serine residue, and creates a premature Stop codon at position 20 of the new reading frame, denoted p.Gln818SerfsTer20. This variant is predicted to cause loss of normal protein function through protein truncation. Loss of function variants have been previously reported to be disease causing. For these reasons, this variant has been classified as Pathogenic.

NM_203447.4(DOCK8):c.2452del (p.Gln818fs)

Gene: DOCK8 (dedicator of cytokinesis 8; plus strand). Cytogenetic location: 9p24.3.
Variant type: Deletion.
Coding change: c.2452del on transcript NM_203447.4 (MANE Select); coding-DNA position 2452, one base deleted (C; older notation c.2452delC).
Protein change: p.Gln818fs; shifts the reading frame from glutamine 818.
Molecular consequence: frameshift variant.
Genome position (GRCh38, 1-based): chr9:379,782, C deleted; the last of 3 consecutive C bases (chr9:379,780-379,782); deleting any one gives the same sequence. VCF-style (leftmost placement, unchanged base first): chr9-379779-TC-T. GRCh37 (hg19) VCF-style: chr9-379779-TC-T.
Other names: c.2248del, p.Gln750fs (NM_001190458.2, NM_001193536.2); short protein forms Q818fs, Q750fs.
Identifiers: ClinVar variation 2585017 (VCV002585017.1), dbSNP rs2538367162, ClinGen allele CA2582341976.
Genomic context (GRCh38, chr9:379,779, plus strand): 5'-GGCTCCTTAAGGACCAGCTGTGGGACTACCCATTTTTCTCTTGGTTCCTCAGCCAACTTC[TC>T]CCAGTTTGCCTTCGAGTCCGTGGTGGCCATCGCCAACAGTCTGCACAACAGCAAGGACCT-3'